The following is an entry in ClinVar:

ClinVar aggregate classification (germline): Uncertain significance. Review status: criteria provided, multiple submitters, no conflicts (2 of 4 stars). 2 submissions from 2 submitters: Uncertain significance (2). Last evaluated 2025-12-15.

Conditions:
Inborn genetic diseases. Identifiers: MedGen C0950123, MeSH D030342.

Allele frequency attached by ClinVar (database versions not stated): gnomAD exomes 0.00001.

Submissions (2):

Ambry Genetics
Classification: Uncertain significance for Inborn genetic diseases. Last evaluated: 2025-12-15. Review status: criteria provided, single submitter. Criteria: Ambry Variant Classification Scheme 2023. Collection method: clinical testing. Allele origin: germline.

Women's Health and Genetics/Laboratory Corporation of America, LabCorp
Classification: Uncertain significance. Last evaluated: 2023-11-15. Review status: criteria provided, single submitter. Criteria: LabCorp Variant Classification Summary - May 2015. Collection method: clinical testing. Allele origin: germline.
Comment: Variant summary: NUP188 c.2347A>G (p.Ile783Val) results in a conservative amino acid change located in the Nucleoporin Nup188, N-terminal subdomain III (IPR048883) of the encoded protein sequence. Four of five in-silico tools predict a benign effect of the variant on protein function. The variant allele was found at a frequency of 2.4e-05 in 251274 control chromosomes. The available data on variant occurrences in the general population are insufficient to allow any conclusion about variant significance. To our knowledge, no occurrence of c.2347A>G in individuals affected with Sandestig-Stefanova Syndrome and no experimental evidence demonstrating its impact on protein function have been reported. No submitters have cited clinical-significance assessments for this variant to ClinVar after 2014. Based on the evidence outlined above, the variant was classified as uncertain significance.

NM_015354.3(NUP188):c.2347A>G (p.Ile783Val)

Gene: NUP188 (nucleoporin 188; plus strand). Cytogenetic location: 9q34.11.
Variant type: single nucleotide variant.
Coding change: c.2347A>G on transcript NM_015354.3 (MANE Select); coding-DNA position 2347, A replaced by G.
Protein change: p.Ile783Val; replaces isoleucine 783 with valine.
Molecular consequence: missense variant.
Genome position (GRCh38, 1-based): chr9:128,987,671, A>G. VCF-style: chr9-128987671-A-G. GRCh37 (hg19) VCF-style: chr9-131749950-A-G.
Other names: c.2347A>G (NM_015354.1); short protein forms I783V.
Identifiers: ClinVar variation 2682547 (VCV002682547.2), dbSNP rs766007889, ClinGen allele CA5272618.
Genomic context (GRCh38, chr9:128,987,671, plus strand): 5'-CTCTGCATCTGCAGCCTGGCATACACAGAAGCAGGACAGACAGTTATCAATATCATGGGC[A>G]TTGGCGTGGACACCATTGACATGGTGATGGCTGCTCAGCCTCGAAGGTAGGGCTCCTTCT-3'
Protein context (NP_056169.1, residues 773-793): AGQTVINIMG[Ile783Val]GVDTIDMVMA